The following is an entry in ClinVar:

NM_001830.4(CLCN4):c.1007_1008dup (p.Leu337fs)

Gene: CLCN4 (chloride voltage-gated channel 4; plus strand). Cytogenetic location: Xp22.2.
Variant type: Duplication.
Coding change: c.1007_1008dup on transcript NM_001830.4 (MANE Select); coding-DNA positions 1007 to 1008, 2 bases duplicated (TC; older notation c.1007_1008dupTC).
Protein change: p.Leu337fs; shifts the reading frame from leucine 337.
Molecular consequence: frameshift variant.
Genome position (GRCh38, 1-based): chrX:10,208,208-10,208,209, TC duplicated. VCF-style (leftmost placement, unchanged base first): chrX-10208207-A-ATC. GRCh37 (hg19) VCF-style: chrX-10176247-A-ATC.
Other names: c.725_726dup, p.Leu243fs (NM_001256944.2); short protein forms L243fs, L337fs.
Identifiers: ClinVar variation 3653321 (VCV003653321.2).

ClinVar aggregate classification (germline): Pathogenic (1 of 4 stars; one submission).

Submission:

Labcorp Genetics (formerly Invitae), Labcorp
Classification: Pathogenic. Last evaluated: 2024-05-14. Review status: criteria provided, single submitter. Criteria: Invitae Variant Classification Sherloc (09022015). Collection method: clinical testing. Allele origin: germline.
Comment: This sequence change creates a premature translational stop signal (p.Leu337Serfs*41) in the CLCN4 gene. It is expected to result in an absent or disrupted protein product. Loss-of-function variants in CLCN4 are known to be pathogenic (PMID: 27550844). This variant is not present in population databases (gnomAD no frequency). This variant has not been reported in the literature in individuals affected with CLCN4-related conditions. For these reasons, this variant has been classified as Pathogenic.

Literature cited by the submitters: PubMed 27550844.